The following is an entry in ClinVar:

NM_004656.4(BAP1):c.123-18G>A

Gene: BAP1 (BRCA1 associated deubiquitinase 1; minus strand). Cytogenetic location: 3p21.1.
Variant type: single nucleotide variant.
Coding change: c.123-18G>A on transcript NM_004656.4 (MANE Select); 18 bases into the intron before coding-DNA position 123, G replaced by A.
Molecular consequence: intron variant.
Genome position (GRCh38, 1-based): chr3:52,408,624, C>T on the plus strand (G>A on the coding strand, the complement: BAP1 is on the minus strand). VCF-style: chr3-52408624-C-T. GRCh37 (hg19) VCF-style: chr3-52442640-C-T.
Identifiers: ClinVar variation 629659 (VCV000629659.3), dbSNP rs1559591814, ClinGen allele CA913188150.

ClinVar aggregate classification (germline): Likely benign. Review status: criteria provided, multiple submitters, no conflicts (2 of 4 stars). 2 submissions from 2 submitters: Likely benign (2). Last evaluated 2024-07-11.

Conditions:
Hereditary cancer-predisposing syndrome. Also called: Neoplastic Syndromes, Hereditary; Tumor predisposition; Hereditary neoplastic syndrome; Hereditary Cancer Syndrome. Identifiers: Orphanet 140162, MedGen C0027672, MeSH D009386, MONDO:0015356.
BAP1-related tumor predisposition syndrome (TPDS1). Also called: Tumor susceptibility linked to germline BAP1 mutations; BAP1 tumor predisposition syndrome; TUMOR PREDISPOSITION SYNDROME 1; COMMON Syndrome. Identifiers: Orphanet 289539, MedGen C3280492, MONDO:0013692, OMIM 614327.

Submissions (2):

Myriad Genetics, Inc.
Classification: Likely benign for BAP1-related tumor predisposition syndrome. Last evaluated: 2024-07-11. Review status: criteria provided, single submitter. Criteria: Myriad Autosomal Dominant, Autosomal Recessive and X-Linked Classification Criteria (2023). Collection method: clinical testing. Allele origin: unknown.
Comment: This variant is considered likely benign. This variant is intronic and is not expected to impact mRNA splicing.

Color Diagnostics, LLC DBA Color Health
Classification: Likely benign for Hereditary cancer-predisposing syndrome. Last evaluated: 2018-10-16. Review status: criteria provided, single submitter. Criteria: ACMG Guidelines, 2015. Collection method: clinical testing. Allele origin: germline.